The following is an entry in ClinVar:

NM_006343.3(MERTK):c.773C>T (p.Ala258Val)

Gene: MERTK (MER proto-oncogene, tyrosine kinase; plus strand). Cytogenetic location: 2q13.
Variant type: single nucleotide variant.
Coding change: c.773C>T on transcript NM_006343.3 (MANE Select); coding-DNA position 773, C replaced by T.
Protein change: p.Ala258Val; replaces alanine 258 with valine.
Molecular consequence: missense variant.
Genome position (GRCh38, 1-based): chr2:111,965,206, C>T. VCF-style: chr2-111965206-C-T. GRCh37 (hg19) VCF-style: chr2-112722783-C-T.
Other names: short protein forms A258V.
Identifiers: ClinVar variation 839206 (VCV000839206.7), dbSNP rs35252762, ClinGen allele CA1831169.
Genomic context (GRCh38, chr2:111,965,206, plus strand): 5'-GCCTGTTTCTCTGCTGCTGGTCTCATGAGTCTCCTTCCATTCCAGGCCTGACGGAGATGG[C>T]GGTCTTCAGTTGTGAGGCCCACAATGACAAAGGGCTGACCGTGTCCAAGGGAGTGCAGAT-3'
Protein context (NP_006334.2, residues 248-268): VLTVPGLTEM[Ala258Val]VFSCEAHNDK

ClinVar aggregate classification (germline): Uncertain significance. Review status: criteria provided, multiple submitters, no conflicts (2 of 4 stars). 3 submissions from 3 submitters: Uncertain significance (2). 1 of the submissions does not count toward it. Last evaluated 2024-07-29.

Conditions:
Retinal dystrophy. Also called: Inherited retinal dystrophy. Identifiers: Orphanet 71862, MedGen C0854723, MeSH D058499, MONDO:0019118, HP:0000556.

Allele frequency attached by ClinVar (database versions not stated): TOPMed 0.00011.
gnomAD v4.1: 225 of 1,614,036 alleles (0.014%); highest among the groups gnomAD compares: Non-Finnish European, 0.018%; no homozygotes.

Submissions (3):

Blueprint Genetics
Classification: Uncertain significance. Last evaluated: 2024-07-29. Review status: criteria provided, single submitter. Criteria: ACMG Guidelines, 2015. Collection method: clinical testing. Allele origin: germline.

Labcorp Genetics (formerly Invitae), Labcorp
Classification: Uncertain significance. Last evaluated: 2024-01-02. Review status: criteria provided, single submitter. Criteria: Invitae Variant Classification Sherloc (09022015). Collection method: clinical testing. Allele origin: germline.
Comment: This sequence change replaces alanine, which is neutral and non-polar, with valine, which is neutral and non-polar, at codon 258 of the MERTK protein (p.Ala258Val). This variant is present in population databases (rs35252762, gnomAD 0.02%). This missense change has been observed in individual(s) with rod-cone dystrophy (Invitae). ClinVar contains an entry for this variant (Variation ID: 839206). Advanced modeling of protein sequence and biophysical properties (such as structural, functional, and spatial information, amino acid conservation, physicochemical variation, residue mobility, and thermodynamic stability) performed at Invitae indicates that this missense variant is not expected to disrupt MERTK protein function with a negative predictive value of 80%. In summary, the available evidence is currently insufficient to determine the role of this variant in disease. Therefore, it has been classified as a Variant of Uncertain Significance.

Institute of Human Genetics, Univ. Regensburg, Univ. Regensburg
Classification: Uncertain significance for Retinal dystrophy. Last evaluated: 2020-01-01. Review status: no assertion criteria provided. Criteria: ACMG Guidelines, 2015. Collection method: clinical testing. Allele origin: germline. Affected: yes. Not counted in ClinVar's aggregate classification.